The following is an entry in ClinVar:

NM_030962.4(SBF2):c.4443+224C>G

Genes: SBF2 (SET binding factor 2; minus strand), SBF2-AS1 (SBF2 antisense RNA 1; plus strand). Cytogenetic location: 11p15.4.
Variant type: single nucleotide variant.
Coding change: c.4443+224C>G on transcript NM_030962.4 (MANE Select); 224 bases into the intron after coding-DNA position 4443, C replaced by G.
Molecular consequence: intron variant.
Genome position (GRCh38, 1-based): chr11:9,807,776, G>C on the plus strand (C>G on the coding strand, the complement: SBF2 is on the minus strand). VCF-style: chr11-9807776-G-C. GRCh37 (hg19) VCF-style: chr11-9829323-G-C.
Other names: c.4314+224C>G (NM_001386342.1); c.4539+224C>G (NM_001386339.1).
Identifiers: ClinVar variation 670545 (VCV000670545.2), dbSNP rs17353206, ClinGen allele CA15686742.

ClinVar aggregate classification (germline): Benign. Review status: criteria provided, multiple submitters, no conflicts (2 of 4 stars). 2 submissions from 2 submitters: Benign (2). Last evaluated 2018-06-14.

Allele frequency attached by ClinVar (database versions not stated): TOPMed 0.18818; 1000 Genomes Project 30x 0.10868; 1000 Genomes Project 0.10823.
gnomAD v4.1: 132,721 of 582,776 alleles (23%); highest among the groups gnomAD compares: Non-Finnish European, 27%; 17,871 homozygotes.

Submissions (2):

GeneDx
Classification: Benign. Last evaluated: 2018-06-14. Review status: criteria provided, single submitter. Criteria: GeneDx Variant Classification (06012015). Collection method: clinical testing. Allele origin: germline. Affected: yes.
Comment: This variant is considered likely benign or benign based on one or more of the following criteria: it is a conservative change, it occurs at a poorly conserved position in the protein, it is predicted to be benign by multiple in silico algorithms, and/or has population frequency not consistent with disease.

Breakthrough Genomics
Classification: Benign. Review status: criteria provided, single submitter. Criteria: ACMG Guidelines, 2015. Collection method: not provided. Allele origin: germline. Inheritance: Autosomal recessive inheritance. Affected: yes.